The following is an entry in ClinVar:

NM_001405607.1(PBRM1):c.2861G>T (p.Gly954Val)

Gene: PBRM1 (polybromo 1; minus strand). Cytogenetic location: 3p21.1.
Variant type: single nucleotide variant.
Coding change: c.2861G>T on transcript NM_001405607.1 (MANE Select); coding-DNA position 2861, G replaced by T.
Protein change: p.Gly954Val; replaces glycine 954 with valine.
Molecular consequence: missense variant. On other transcripts: non-coding transcript variant (2).
Genome position (GRCh38, 1-based): chr3:52,589,219, C>A on the plus strand (G>T on the coding strand, the complement: PBRM1 is on the minus strand). VCF-style: chr3-52589219-C-A. GRCh37 (hg19) VCF-style: chr3-52623235-C-A.
Other names: c.1679G>T, p.Gly560Val (NM_001405608.1); c.2924G>T, p.Gly975Val (NM_001350074.2, NM_001350078.2, NM_001366070.2 and 1 more transcripts); c.2816G>T, p.Gly939Val (NM_001350075.2, NM_001394867.1, NM_001394868.1 and 49 more transcripts); c.2921G>T, p.Gly974Val (NM_001350076.2, NM_001405554.1); c.2915G>T, p.Gly972Val (NM_001350077.2); c.2879G>T, p.Gly960Val (NM_001350079.2, NM_001366071.2, NM_001366072.2 and 2 more transcripts); c.2870G>T, p.Gly957Val (NM_001366073.2, NM_001394870.1, NM_001405591.1 and 1 more transcripts); c.2867G>T, p.Gly956Val (NM_001366074.2, NM_001405574.1); and 17 more; short protein forms G939V, G956V, G975V, G940V, G957V, G960V, G972V, G974V.
Identifiers: ClinVar variation 135007 (VCV000135007.1), dbSNP rs587778591, ClinGen allele CA161380.

ClinVar aggregate classification (germline): not provided (0 of 4 stars; one submission).

Allele frequency attached by ClinVar (database versions not stated): gnomAD 0.00001; TOPMed 0.00001.
gnomAD v4.1: 7 of 1,560,062 alleles (0.00045%); highest among the groups gnomAD compares: Admixed American, 0.0021%; no homozygotes.

Submission:

ITMI
No classification provided. Condition: AllHighlyPenetrant. Last evaluated: 2013-09-19. Review status: no classification provided. Collection method: reference population. Allele origin: germline.
Comment: Please see associated publication for description of ethnicities

Literature cited by the submitters: PubMed 24728327.